The following is an entry in ClinVar:

ClinVar aggregate classification (germline): Likely benign (1 of 4 stars; one submission).

Submission:

CeGaT Center for Human Genetics Tuebingen
Classification: Likely benign. Last evaluated: 2025-01-01. Review status: criteria provided, single submitter. Criteria: CeGaT Center For Human Genetics Tuebingen Variant Classification Criteria Version 2. Collection method: clinical testing. Allele origin: germline. Affected: yes. Observed: 1 variant allele.
Comment: KMT2A: PM2:Supporting, BP4, BP7

NM_001197104.2(KMT2A):c.9234T>G (p.Thr3078=)

Gene: KMT2A (lysine methyltransferase 2A; plus strand). Cytogenetic location: 11q23.3.
Variant type: single nucleotide variant.
Coding change: c.9234T>G on transcript NM_001197104.2 (MANE Select); coding-DNA position 9234, T replaced by G.
Protein change: p.Thr3078=; no amino-acid change (threonine 3078 retained).
Molecular consequence: synonymous variant.
Genome position (GRCh38, 1-based): chr11:118,505,126, T>G. VCF-style: chr11-118505126-T-G. GRCh37 (hg19) VCF-style: chr11-118375841-T-G.
Other names: c.9324T>G, p.Thr3108= (NM_001412597.1); c.9225T>G, p.Thr3075= (NM_005933.4).
Identifiers: ClinVar variation 3771890 (VCV003771890.13).